The following is an entry in ClinVar:

NM_001876.4(CPT1A):c.1163+5G>A

Gene: CPT1A (carnitine palmitoyltransferase 1A; minus strand). Cytogenetic location: 11q13.3.
Variant type: single nucleotide variant.
Coding change: c.1163+5G>A on transcript NM_001876.4 (MANE Select); 5 bases into the intron after coding-DNA position 1163, G replaced by A.
Molecular consequence: intron variant.
Genome position (GRCh38, 1-based): chr11:68,784,810, C>T on the plus strand (G>A on the coding strand, the complement: CPT1A is on the minus strand). VCF-style: chr11-68784810-C-T. GRCh37 (hg19) VCF-style: chr11-68552278-C-T.
Other names: c.1163+5G>A (NM_001031847.3).
Identifiers: ClinVar variation 463964 (VCV000463964.30), dbSNP rs140999795, ClinGen allele CA6152400.

ClinVar aggregate classification (germline): Conflicting classifications of pathogenicity. Review status: criteria provided, conflicting classifications (1 of 4 stars). 4 submissions from 4 submitters: Uncertain significance (1); Likely benign (2). 1 of the submissions does not count toward it. Last evaluated 2026-01-26.

Conditions:
CPT1A-related disorder. Also called: CPT1A-related condition.
Carnitine palmitoyl transferase 1A deficiency. Also called: Carnitine palmitoyltransferase type I deficiency; CPT I DEFICIENCY; CPT DEFICIENCY, HEPATIC, TYPE I; Carnitine palmitoyltransferase 1A deficiency; CPT deficiency, hepatic, type IA. Identifiers: Orphanet 156, MedGen C1829703, MONDO:0009705, OMIM 255120.

Allele frequency attached by ClinVar (database versions not stated): TOPMed 0.00183; ESP Exome Variant Server 0.00192; 1000 Genomes Project 0.00339; 1000 Genomes Project 30x 0.00344.
gnomAD v4.1: 569 of 1,606,836 alleles (0.035%); highest among the groups gnomAD compares: African/African-American, 0.58%; 1 homozygote.

Submissions (5):

Labcorp Genetics (formerly Invitae), Labcorp
Classification: Likely benign for Carnitine palmitoyl transferase 1A deficiency. Last evaluated: 2026-01-26. Review status: criteria provided, single submitter. Criteria: Invitae Variant Classification Sherloc (09022015). Collection method: clinical testing. Allele origin: germline.

Blueprint Genetics
Classification: Uncertain significance. Last evaluated: 2024-11-25. Review status: criteria provided, single submitter. Criteria: ACMG Guidelines, 2015. Collection method: clinical testing. Allele origin: germline.

CeGaT Center for Human Genetics Tuebingen
Classification: Likely benign. Last evaluated: 2024-09-01. Review status: criteria provided, single submitter. Criteria: CeGaT Center For Human Genetics Tuebingen Variant Classification Criteria Version 2. Collection method: clinical testing. Allele origin: germline. Affected: yes. Observed: 1 variant allele.
Comment: CPT1A: BP4

PreventionGenetics, part of Exact Sciences
Classification: Likely benign for CPT1A-related condition. Last evaluated: 2019-07-02. Review status: no assertion criteria provided. Collection method: clinical testing. Allele origin: germline. Not counted in ClinVar's aggregate classification.
Comment: This variant is classified as likely benign based on ACMG/AMP sequence variant interpretation guidelines (Richards et al. 2015 PMID: 25741868, with internal and published modifications).

Dr. Peter K. Rogan Lab, Western University
No classification provided (evidence only). Condition: Lung cancer. Review status: no classification provided. Collection method: in vitro. Allele origin: not applicable. Functional consequence: retained intron. Not counted in ClinVar's aggregate classification.